The following is an entry in ClinVar:

ClinVar aggregate classification (germline): Uncertain significance. Review status: criteria provided, multiple submitters, no conflicts (2 of 4 stars). 2 submissions from 2 submitters: Uncertain significance (2). Last evaluated 2025-10-15.

Conditions:
Baller-Gerold syndrome (BGS). Also called: CRANIOSYNOSTOSIS WITH RADIAL DEFECTS. Identifiers: Orphanet 1225, MedGen C0265308, MONDO:0009039, OMIM 218600.

Allele frequency attached by ClinVar (database versions not stated): gnomAD 0.00002; gnomAD exomes 0.00002 and 0.00010; TOPMed 0.00004.
gnomAD v4.1: 146 of 1,596,832 alleles (0.0091%); highest among the groups gnomAD compares: Non-Finnish European, 0.011%; no homozygotes.

Submissions (2):

Labcorp Genetics (formerly Invitae), Labcorp
Classification: Uncertain significance for Baller-Gerold syndrome. Last evaluated: 2025-10-15. Review status: criteria provided, single submitter. Criteria: Invitae Variant Classification Sherloc (09022015). Collection method: clinical testing. Allele origin: germline.
Comment: This sequence change replaces valine, which is neutral and non-polar, with methionine, which is neutral and non-polar, at codon 802 of the RECQL4 protein (p.Val802Met). This variant is present in population databases (no rsID available, gnomAD 0.003%). This variant has not been reported in the literature in individuals affected with RECQL4-related conditions. ClinVar contains an entry for this variant (Variation ID: 406942). Invitae Evidence Modeling of protein sequence and biophysical properties (such as structural, functional, and spatial information, amino acid conservation, physicochemical variation, residue mobility, and thermodynamic stability) indicates that this missense variant is expected to disrupt RECQL4 protein function with a positive predictive value of 80%. In summary, the available evidence is currently insufficient to determine the role of this variant in disease. Therefore, it has been classified as a Variant of Uncertain Significance.

GeneDx
Classification: Uncertain significance. Last evaluated: 2024-09-23. Review status: criteria provided, single submitter. Criteria: GeneDx Variant Classification Process June 2021. Collection method: clinical testing. Allele origin: germline. Affected: yes.
Comment: In silico analysis supports that this missense variant has a deleterious effect on protein structure/function; Has not been previously published as pathogenic or benign to our knowledge

NM_004260.4(RECQL4):c.2404G>A (p.Val802Met)

Gene: RECQL4 (RecQ like helicase 4; minus strand). Cytogenetic location: 8q24.3.
Variant type: single nucleotide variant.
Coding change: c.2404G>A on transcript NM_004260.4 (MANE Select); coding-DNA position 2404, G replaced by A.
Protein change: p.Val802Met; replaces valine 802 with methionine.
Molecular consequence: missense variant.
Genome position (GRCh38, 1-based): chr8:144,513,277, C>T on the plus strand (G>A on the coding strand, the complement: RECQL4 is on the minus strand). VCF-style: chr8-144513277-C-T. GRCh37 (hg19) VCF-style: chr8-145738660-C-T.
Other names: short protein forms V802M.
Identifiers: ClinVar variation 406942 (VCV000406942.8), dbSNP rs897118164, ClinGen allele CA16612231.